The following is an entry in ClinVar:

NM_004722.4(AP4M1):c.893T>C (p.Leu298Pro)

Gene: AP4M1 (adaptor related protein complex 4 subunit mu 1; plus strand). Cytogenetic location: 7q22.1.
Variant type: single nucleotide variant.
Coding change: c.893T>C on transcript NM_004722.4 (MANE Select); coding-DNA position 893, T replaced by C.
Protein change: p.Leu298Pro; replaces leucine 298 with proline.
Molecular consequence: missense variant. On other transcripts: non-coding transcript variant (1).
Genome position (GRCh38, 1-based): chr7:100,105,503, T>C. VCF-style: chr7-100105503-T-C. GRCh37 (hg19) VCF-style: chr7-99703126-T-C.
Other names: c.914T>C, p.Leu305Pro (NM_001363671.2, NM_001438824.1, NM_001438827.1); c.893T>C, p.Leu298Pro (NM_001438825.1, NM_001438826.1, NM_001438828.1); c.689T>C, p.Leu230Pro (NM_001438829.1, NM_001438830.1); c.509T>C, p.Leu170Pro (NM_001438831.1, NM_001438832.1); c.893T>C (NM_004722.3); short protein forms L170P, L230P, L298P, L305P.
Identifiers: ClinVar variation 4813589 (VCV004813589.2).

ClinVar aggregate classification (germline): Conflicting classifications of pathogenicity. Review status: criteria provided, conflicting classifications (1 of 4 stars). 2 submissions from 2 submitters: Pathogenic (1); Uncertain significance (1). Last evaluated 2026-09-21.

Conditions:
Hereditary spastic paraplegia 50 (SPG50). Also called: Spastic paraplegia 50, autosomal recessive. Identifiers: Orphanet 280763, MedGen C2752008, MONDO:0013048, OMIM 612936.
AP4M1-related disorder. Also called: AP4M1-related condition.

Submissions (2):

PreventionGenetics, part of Exact Sciences
Classification: Uncertain significance for AP4M1-related condition. Last evaluated: 2026-09-21. Review status: criteria provided, single submitter. Criteria: ACMG Guidelines, 2015. Collection method: clinical testing. Allele origin: germline.
Comment: The AP4M1 c.893T>C variant is predicted to result in the amino acid substitution p.Leu298Pro. This variant has been reported in the homozygous state in an individual with features consistent with autosomal recessive spastic paraplegia 50 (Agianda et al. 2026. PubMed ID: 41491634). Functional studies determined this variant leads to a reduction in adapter protein complex 4, which suggests mislocalization of the autophagy protein ATG9A (Supplemental data, Agianda et al. 2026. PubMed ID: 41491634). This variant has not been reported in a large population database (gnomAD), indicating it is rare. Although we suspect this variant may be pathogenic, at this time, we classify this variant as uncertain.

Mendelics
Classification: Pathogenic for Hereditary spastic paraplegia 50. Last evaluated: 2026-03-05. Review status: criteria provided, single submitter. Criteria: ACMG Guidelines, 2015. Collection method: clinical testing. Allele origin: unknown.
Comment: Likely pathogenic/Pathogenic according to ACMG criteria.